The following is an entry in ClinVar:

NM_002661.5(PLCG2):c.3422T>A (p.Met1141Lys)

Gene: PLCG2 (phospholipase C gamma 2; plus strand). Cytogenetic location: 16q23.3.
Variant type: single nucleotide variant.
Coding change: c.3422T>A on transcript NM_002661.5 (MANE Select); coding-DNA position 3422, T replaced by A.
Protein change: p.Met1141Lys; replaces methionine 1141 with lysine.
Molecular consequence: missense variant.
Genome position (GRCh38, 1-based): chr16:81,940,000, T>A. VCF-style: chr16-81940000-T-A. GRCh37 (hg19) VCF-style: chr16-81973605-T-A.
Other names: short protein forms M1141K.
Identifiers: ClinVar variation 540103 (VCV000540103.9), dbSNP rs958943394, ClinGen allele CA396908789.

ClinVar aggregate classification (germline): Conflicting classifications of pathogenicity. Review status: criteria provided, conflicting classifications (1 of 4 stars). 2 submissions from 2 submitters: Likely pathogenic (1); Uncertain significance (1). Last evaluated 2024-12-05.

Conditions:
Familial cold autoinflammatory syndrome 3 (FCAS3). Also called: FAMILIAL ATYPICAL COLD URTICARIA; ANTIBODY DEFICIENCY AND IMMUNE DYSREGULATION, PLCG2-ASSOCIATED. Identifiers: Orphanet 300359, MedGen C3280914, MONDO:0013766, OMIM 614468.
PLCG2-related disorder. Also called: PLCG2-related condition.

Submissions (2):

Labcorp Genetics (formerly Invitae), Labcorp
Classification: Uncertain significance for Familial cold autoinflammatory syndrome 3. Last evaluated: 2024-12-05. Review status: criteria provided, single submitter. Criteria: Invitae Variant Classification Sherloc (09022015). Collection method: clinical testing. Allele origin: germline.
Comment: This sequence change replaces methionine, which is neutral and non-polar, with lysine, which is basic and polar, at codon 1141 of the PLCG2 protein (p.Met1141Lys). This variant is not present in population databases (gnomAD no frequency). This missense change has been observed in individual(s) with clinical features of PLCG2-associated conditions (PMID: 31853824). ClinVar contains an entry for this variant (Variation ID: 540103). An algorithm developed to predict the effect of missense changes on protein structure and function (PolyPhen-2) suggests that this variant is likely to be disruptive. In summary, the available evidence is currently insufficient to determine the role of this variant in disease. Therefore, it has been classified as a Variant of Uncertain Significance.

Blueprint Genetics
Classification: Likely pathogenic for PLCG2-related disorders. Last evaluated: 2020-05-08. Review status: criteria provided, single submitter. Criteria: ACMG Guidelines, 2015. Collection method: clinical testing. Allele origin: germline. Affected: yes. Observed: 1 variant allele.

Literature cited by the submitters: PubMed 31853824 (cited by Labcorp Genetics (formerly Invitae), Labcorp).